The following is an entry in ClinVar:

ClinVar aggregate classification (germline): Likely pathogenic (1 of 4 stars; one submission).

Conditions:
Autosomal recessive polycystic kidney disease (ARPKD). Also called: AR polycystic kidney disease. Identifiers: Orphanet 731, Orphanet 8378, MedGen C0085548, MeSH D017044, MONDO:0009889.

Submission:

Natera, Inc.
Classification: Likely pathogenic for Autosomal recessive polycystic kidney disease. Last evaluated: 2025-08-08. Review status: criteria provided, single submitter. Criteria: Natera Variant Classification Schema (03/2026). Collection method: clinical testing. Allele origin: germline.
Comment: The c.237_250del variant in PKHD1 is a frameshift variant predicted to shift the reading frame beginning at codon 80 and leads to a stop codon 15 codons downstream. This variant is expected to result in nonsense mediated decay, truncation, or a dysfunctional protein product. This variant is rare in the general population with a frequency below the threshold expected for the associated phenotype(s). Given the available evidence, this variant is classified as Likely Pathogenic.

NM_138694.4(PKHD1):c.237_250del (p.Phe80fs)

Gene: PKHD1 (PKHD1 ciliary IPT domain containing fibrocystin/polyductin; minus strand). Cytogenetic location: 6p12.2.
Variant type: Deletion.
Coding change: c.237_250del on transcript NM_138694.4 (MANE Select); coding-DNA positions 237 to 250, 14 bases deleted (CTTTCCTGTTTTCT).
Protein change: p.Phe80fs; shifts the reading frame from phenylalanine 80.
Molecular consequence: frameshift variant.
Genome position (GRCh38, 1-based): chr6:52,082,423-52,082,436, AGAAAACAGGAAAG deleted on the plus strand (CTTTCCTGTTTTCT on the coding strand, the reverse complement: PKHD1 is on the minus strand); deleting any 14 consecutive bases within chr6:52,082,423-52,082,437 gives the same sequence; the c. name uses the placement nearest the transcript's 3' end. VCF-style (leftmost placement, unchanged base first): chr6-52082422-AAGAAAACAGGAAAG-A. GRCh37 (hg19) VCF-style: chr6-51947220-AAGAAAACAGGAAAG-A.
Other names: c.237_250del, p.Phe80fs (NM_170724.3); short protein forms F80fs.
Identifiers: ClinVar variation 4816603 (VCV004816603.1).